The following is an entry in ClinVar:

ClinVar aggregate classification (germline): Likely pathogenic (1 of 4 stars; one submission).

Allele frequency attached by ClinVar (database versions not stated): gnomAD exomes below 0.00001.
gnomAD v4.1: 1 of 1,613,082 alleles (0.000062%); highest among the groups gnomAD compares: Non-Finnish European, 0.000085%; no homozygotes.

Submission:

CeGaT Center for Human Genetics Tuebingen
Classification: Likely pathogenic. Last evaluated: 2023-03-01. Review status: criteria provided, single submitter. Criteria: CeGaT Center For Human Genetics Tuebingen Variant Classification Criteria Version 2. Collection method: clinical testing. Allele origin: germline. Affected: yes. Observed: 1 variant allele.
Comment: TBX1: PM1, PM2, PS2:Moderate, PP3

NM_001379200.1(TBX1):c.601C>T (p.Arg201Cys)

Gene: TBX1 (T-box transcription factor 1; plus strand). Cytogenetic location: 22q11.21.
Variant type: single nucleotide variant.
Coding change: c.601C>T on transcript NM_001379200.1 (MANE Select); coding-DNA position 601, C replaced by T.
Protein change: p.Arg201Cys; replaces arginine 201 with cysteine.
Molecular consequence: missense variant.
Genome position (GRCh38, 1-based): chr22:19,764,216, C>T. VCF-style: chr22-19764216-C-T. GRCh37 (hg19) VCF-style: chr22-19751739-C-T.
Other names: c.574C>T, p.Arg192Cys (NM_005992.1, NM_080646.2, NM_080647.1); short protein forms R192C, R201C.
Identifiers: ClinVar variation 2498900 (VCV002498900.28), dbSNP rs2517849988, ClinGen allele CA410682780.